The following is an entry in ClinVar:

NM_004168.4(SDHA):c.1432+2T>G

Gene: SDHA (succinate dehydrogenase complex flavoprotein subunit A; plus strand). Cytogenetic location: 5p15.33.
Variant type: single nucleotide variant.
Coding change: c.1432+2T>G on transcript NM_004168.4 (MANE Select); the canonical splice donor site of the intron after coding-DNA position 1432, T replaced by G.
Molecular consequence: splice donor variant.
Genome position (GRCh38, 1-based): chr5:236,601, T>G. VCF-style: chr5-236601-T-G. GRCh37 (hg19) VCF-style: chr5-236716-T-G.
Other names: c.1432+2T>G (NM_001330758.2); c.1288+2T>G (NM_001294332.2).
Identifiers: ClinVar variation 2673983 (VCV002673983.1), dbSNP rs2126590811, ClinGen allele CA359014144.

ClinVar aggregate classification (germline): Likely pathogenic (1 of 4 stars; one submission).

Conditions:
Pheochromocytoma/paraganglioma syndrome 5. Also called: Paragangliomas 5; SDHA-Related Hereditary Paraganglioma-Pheochromocytoma Syndrome. Identifiers: Orphanet 29072, MedGen C3279992, MONDO:0013602, OMIM 614165.

Submission:

Myriad Genetics, Inc.
Classification: Likely pathogenic for Pheochromocytoma/paraganglioma syndrome 5. Last evaluated: 2023-10-16. Review status: criteria provided, single submitter. Criteria: Myriad Autosomal Dominant, Autosomal Recessive and X-Linked Classification Criteria (2023). Collection method: clinical testing. Allele origin: unknown.
Comment: This variant is considered likely pathogenic. This variant occurs within a consensus splice junction and is predicted to result in abnormal mRNA splicing of either an out-of-frame exon or an in-frame exon necessary for protein stability and/or normal function.